The following is an entry in ClinVar:

ClinVar aggregate classification (germline): Uncertain significance (1 of 4 stars; one submission).

Conditions:
Familial thoracic aortic aneurysm and aortic dissection (TAAD). Also called: Thoracic aortic aneurysms and dissections. Identifiers: Orphanet 91387, MedGen C4707243, MONDO:0019625.

Allele frequency attached by ClinVar (database versions not stated): TOPMed below 0.00001; ExAC 0.00002; gnomAD 0.00002.
gnomAD v4.1: 7 of 1,614,106 alleles (0.00043%); highest among the groups gnomAD compares: African/African-American, 0.0027%; no homozygotes.

Submission:

Color Diagnostics, LLC DBA Color Health
Classification: Uncertain significance for Familial thoracic aortic aneurysm and aortic dissection. Last evaluated: 2022-12-13. Review status: criteria provided, single submitter. Criteria: ACMG Guidelines, 2015. Collection method: clinical testing. Allele origin: germline.
Comment: This missense variant replaces isoleucine with valine at codon 1303 of the COL3A1 protein. Computational prediction suggests that this variant may not impact protein structure and function (internally defined REVEL score threshold <= 0.5, PMID: 27666373). To our knowledge, functional studies have not been reported for this variant. This variant has not been reported in individuals affected with COL3A1-related disorders in the literature. This variant has been identified in 4/282814 chromosomes in the general population by the Genome Aggregation Database (gnomAD). The available evidence is insufficient to determine the role of this variant in disease conclusively. Therefore, this variant is classified as a Variant of Uncertain Significance.

NM_000090.4(COL3A1):c.3907A>G (p.Ile1303Val)

Gene: COL3A1 (collagen type III alpha 1 chain; plus strand). Cytogenetic location: 2q32.2.
Variant type: single nucleotide variant.
Coding change: c.3907A>G on transcript NM_000090.4 (MANE Select); coding-DNA position 3907, A replaced by G.
Protein change: p.Ile1303Val; replaces isoleucine 1303 with valine.
Molecular consequence: missense variant.
Genome position (GRCh38, 1-based): chr2:189,010,261, A>G. VCF-style: chr2-189010261-A-G. GRCh37 (hg19) VCF-style: chr2-189874987-A-G.
Other names: short protein forms I1303V.
Identifiers: ClinVar variation 2775161 (VCV002775161.2), dbSNP rs769747471, ClinGen allele CA076354.
Genomic context (GRCh38, chr2:189,010,261, plus strand): 5'-CAAGGATGCAAATTGGATGCTATCAAGGTATTCTGTAATATGGAAACTGGGGAAACATGC[A>G]TAAGTGCCAATCCTTTGAATGTTCCACGGAAACACTGGTGGACAGATTCTAGTGCTGAGA-3'
Protein context (NP_000081.2, residues 1293-1313): FCNMETGETC[Ile1303Val]SANPLNVPRK